The following is an entry in ClinVar:

NC_012920.1(MT-TY):m.5846C>T

Gene: MT-TY (mitochondrially encoded tRNA tyrosine; minus strand).
Variant type: single nucleotide variant.
Genome position: chrM-5846-C-T.
Identifiers: ClinVar variation 690015 (VCV000690015.1), dbSNP rs1603220152, ClinGen allele CA913180648.

ClinVar aggregate classification (germline): Benign (1 of 4 stars; one submission).

Conditions:
MELAS syndrome (MELAS). Also called: Juvenile myopathy, encephalopathy, lactic acidosis, stroke. Identifiers: Orphanet 550, MedGen C0162671, MONDO:0010789, OMIM 540000.

Submission:

Wong Mito Lab, Molecular and Human Genetics, Baylor College of Medicine
Classification: Benign for MELAS syndrome. Last evaluated: 2019-07-12. Review status: criteria provided, single submitter. Criteria: Modified ACMG Guidelines (Unpublished). Collection method: clinical testing. Allele origin: germline.
Comment: The NC_012920.1:m.5846C>T variant in MT-TY gene is interpreted to be a Benign variant based on the modified ACMG guidelines (unpublished). This variant meets the following evidence codes reported in the guidelines: BS1, BS2, BP4

Literature cited by the submitters: PubMed 31965079.